The following is an entry in ClinVar:

ClinVar aggregate classification (germline): Likely benign (1 of 4 stars; one submission).

Conditions:
Ullrich congenital muscular dystrophy 2 (UCMD2). Identifiers: Orphanet 75840, MedGen C4225314, MONDO:0014654, OMIM 616470.
Bethlem myopathy 2 (BTHLM2). Identifiers: Orphanet 536516, Orphanet 610, MedGen C4225313, MONDO:0034022, OMIM 616471.

Allele frequency attached by ClinVar (database versions not stated): gnomAD 0.00001 and 0.00002; gnomAD exomes 0.00001; ExAC 0.00002; TOPMed 0.00005.
gnomAD v4.1: 13 of 1,613,204 alleles (0.00081%); highest among the groups gnomAD compares: African/African-American, 0.008%; no homozygotes.

Submission:

Labcorp Genetics (formerly Invitae), Labcorp
Classification: Likely benign for Bethlem myopathy 2; Ullrich congenital muscular dystrophy 2. Last evaluated: 2022-12-02. Review status: criteria provided, single submitter. Criteria: Invitae Variant Classification Sherloc (09022015). Collection method: clinical testing. Allele origin: germline.

NM_004370.6(COL12A1):c.971T>G (p.Leu324Arg)

Gene: COL12A1 (collagen type XII alpha 1 chain; minus strand). Cytogenetic location: 6q13.
Variant type: single nucleotide variant.
Coding change: c.971T>G on transcript NM_004370.6 (MANE Select); coding-DNA position 971, T replaced by G.
Protein change: p.Leu324Arg; replaces leucine 324 with arginine.
Molecular consequence: missense variant. On other transcripts: intron variant (1).
Genome position (GRCh38, 1-based): chr6:75,188,388, A>C on the plus strand (T>G on the coding strand, the complement: COL12A1 is on the minus strand). VCF-style: chr6-75188388-A-C. GRCh37 (hg19) VCF-style: chr6-75898104-A-C.
Other names: c.73+14332T>G (NM_080645.3); short protein forms L324R.
Identifiers: ClinVar variation 947853 (VCV000947853.11), dbSNP rs762612450, ClinGen allele CA3894309.